The following is an entry in ClinVar:

NM_130398.4(EXO1):c.1776A>G (p.Lys592=)

Gene: EXO1 (exonuclease 1; plus strand). Cytogenetic location: 1q43.
Variant type: single nucleotide variant.
Coding change: c.1776A>G on transcript NM_130398.4 (MANE Select); coding-DNA position 1776, A replaced by G.
Protein change: p.Lys592=; no amino-acid change (lysine 592 retained).
Molecular consequence: synonymous variant.
Genome position (GRCh38, 1-based): chr1:241,879,010, A>G. VCF-style: chr1-241879010-A-G. GRCh37 (hg19) VCF-style: chr1-242042312-A-G.
Other names: c.1773A>G, p.Lys591= (NM_001319224.2); c.1776A>G, p.Lys592= (NM_003686.4, NM_006027.4).
Identifiers: ClinVar variation 3055741 (VCV003055741.2), dbSNP rs145018286, ClinGen allele CA1481439.

ClinVar aggregate classification (germline): Likely benign (0 of 4 stars; one submission).

Conditions:
EXO1-related disorder. Also called: EXO1-related condition.

Allele frequency attached by ClinVar (database versions not stated): gnomAD exomes 0.00001; ExAC 0.00007; gnomAD 0.00015; TOPMed 0.00019; ESP Exome Variant Server 0.00023.
gnomAD v4.1: 42 of 1,614,176 alleles (0.0026%); highest among the groups gnomAD compares: African/African-American, 0.052%; no homozygotes.

Submission:

PreventionGenetics, part of Exact Sciences
Classification: Likely benign for EXO1-related condition. Last evaluated: 2019-03-23. Review status: no assertion criteria provided. Collection method: clinical testing. Allele origin: germline.
Comment: This variant is classified as likely benign based on ACMG/AMP sequence variant interpretation guidelines (Richards et al. 2015 PMID: 25741868, with internal and published modifications).